The following is an entry in ClinVar:

ClinVar aggregate classification (germline): Pathogenic (1 of 4 stars; one submission).

Conditions:
5-Oxoprolinase deficiency (OPLAHD). Also called: 5-OXOPROLINURIA DUE TO 5-OXOPROLINASE DEFICIENCY. Identifiers: Orphanet 33572, MedGen C0268525, MONDO:0009825, OMIM 260005, HP:0040142.

gnomAD v4.1: 21 of 1,605,722 alleles (0.0013%); highest among the groups gnomAD compares: Non-Finnish European, 0.0018%; no homozygotes.

Submission:

Molecular Genetics Laboratory, Motol Hospital
Classification: Pathogenic for 5-Oxoprolinase deficiency. Last evaluated: 2025-01-24. Review status: criteria provided, single submitter. Criteria: ACMG Guidelines, 2015. Collection method: clinical testing. Allele origin: germline. Affected: yes. Observed: 1 variant allele.
Comment: This variant was found to be in a compound heterozygous state together with other rare truncating variant NM_017570.5:c.3081dup. Rare truncating variants affecting the OPLAH gene are documented as a molecular cause of autosomal recessive "5-oxoprolinase deficiency" (OPLAHD; OMIM:260005; PMID:27477828;PMID:23430506;PMID:21651516). To conclude, the variant is classified as pathogenic (ACMG PVS1, PM2, PM3).

Literature cited by the submitters: PubMed 27477828; PubMed 23430506; PubMed 21651516.

NM_017570.5(OPLAH):c.3701C>A (p.Ser1234Ter)

Gene: OPLAH (5-oxoprolinase, ATP-hydrolysing; minus strand). Cytogenetic location: 8q24.3.
Variant type: single nucleotide variant.
Coding change: c.3701C>A on transcript NM_017570.5 (MANE Select); coding-DNA position 3701, C replaced by A.
Protein change: p.Ser1234Ter; replaces serine 1234 with a stop codon.
Molecular consequence: nonsense.
Genome position (GRCh38, 1-based): chr8:144,051,748, G>T on the plus strand (C>A on the coding strand, the complement: OPLAH is on the minus strand). VCF-style: chr8-144051748-G-T. GRCh37 (hg19) VCF-style: chr8-145106649-G-T.
Other names: short protein forms S1234*.
Identifiers: ClinVar variation 3600352 (VCV003600352.2).
Genomic context (GRCh38, chr8:144,051,748, plus strand): 5'-GGAGGGGAGGGGAGGGGGACAGGACAGGCCGCGGCCCTTACCCCGGGGTACACGGTCACC[G>T]ACGTCTTGCCGCCCAGATTCACCGTCCGGCCGTTTTTGCGGATCAGCAGGTTTAGGCCGC-3'